The following is an entry in ClinVar:

NM_004364.5(CEBPA):c.26C>A (p.Ala9Glu)

Genes: CEBPA (CCAAT enhancer binding protein alpha; minus strand), LOC130064183 (ATAC-STARR-seq lymphoblastoid silent region 10495; plus strand). Cytogenetic location: 19q13.11.
Variant type: single nucleotide variant.
Coding change: c.26C>A on transcript NM_004364.5 (MANE Select); coding-DNA position 26, C replaced by A.
Protein change: p.Ala9Glu; replaces alanine 9 with glutamic acid.
Molecular consequence: missense variant. On other transcripts: 5 prime UTR variant (2).
Genome position (GRCh38, 1-based): chr19:33,302,389, G>T on the plus strand (C>A on the coding strand, the complement: CEBPA is on the minus strand). VCF-style: chr19-33302389-G-T. GRCh37 (hg19) VCF-style: chr19-33793295-G-T.
Other names: c.-332C>A (NM_001285829.2); c.131C>A, p.Ala44Glu (NM_001287424.2); c.-17C>A (NM_001287435.2); short protein forms A9E, A44E.
Identifiers: ClinVar variation 1440903 (VCV001440903.8), dbSNP rs2145265055, ClinGen allele CA405275834.
Genomic context (GRCh38, chr19:33,302,389, plus strand): 5'-GCGCTGCTGGGCGCGTGCGGGGGGCTCTGCAGGTGGCTGCTCATCGGGGGCCGCGGCTCC[G>T]CCTCGTAGAAGTCGGCCGACTCCATGGGGGAGTTAGAGTTCTCCCGGCATGGCGAGCCTC-3'
Protein context (NP_004355.2, residues 1-19): MESADFYE[Ala9Glu]EPRPPMSSHL

ClinVar aggregate classification (germline): Uncertain significance (1 of 4 stars; one submission).

Conditions:
Acute myeloid leukemia (AML). Also called: Leukemia, acute myeloid, somatic; Leukemia, acute myelogenous, somatic; Acute myeloid leukemia, adult; AML adult; Acute non-lymphocytic leukemia; Acute granulocytic leukemia. Identifiers: Orphanet 519, MedGen C0023467, MeSH D015470, MONDO:0018874, OMIM 601626, HP:0004808. Disease mechanism: Constitutively activated FLT3.

Allele frequency attached by ClinVar (database versions not stated): gnomAD exomes below 0.00001.

Submission:

Labcorp Genetics (formerly Invitae), Labcorp
Classification: Uncertain significance for Acute myeloid leukemia. Last evaluated: 2021-07-09. Review status: criteria provided, single submitter. Criteria: Invitae Variant Classification Sherloc (09022015). Collection method: clinical testing. Allele origin: germline.
Comment: This sequence change replaces alanine with glutamic acid at codon 9 of the CEBPA protein (p.Ala9Glu). The alanine residue is weakly conserved and there is a moderate physicochemical difference between alanine and glutamic acid. In summary, the available evidence is currently insufficient to determine the role of this variant in disease. Therefore, it has been classified as a Variant of Uncertain Significance. Algorithms developed to predict the effect of missense changes on protein structure and function are either unavailable or do not agree on the potential impact of this missense change (SIFT: "Deleterious"; PolyPhen-2: "Benign"; Align-GVGD: "Class C0"). This variant has not been reported in the literature in individuals with CEBPA-related conditions. The frequency data for this variant in the population databases is considered unreliable, as metrics indicate insufficient coverage at this position in the ExAC database.